The following is an entry in ClinVar:

NM_001347721.2(DYRK1A):c.47G>A (p.Arg16Gln)

Gene: DYRK1A (dual specificity tyrosine phosphorylation regulated kinase 1A; plus strand). Cytogenetic location: 21q22.13.
Variant type: single nucleotide variant.
Coding change: c.47G>A on transcript NM_001347721.2 (MANE Select); coding-DNA position 47, G replaced by A.
Protein change: p.Arg16Gln; replaces arginine 16 with glutamine.
Molecular consequence: missense variant. On other transcripts: 5 prime UTR variant (1).
Genome position (GRCh38, 1-based): chr21:37,472,720, G>A. VCF-style: chr21-37472720-G-A. GRCh37 (hg19) VCF-style: chr21-38845022-G-A.
Other names: c.47G>A, p.Arg16Gln (NM_001347722.2, NM_001396.5, NM_101395.2 and 2 more transcripts); c.-41G>A (NM_001347723.2); short protein forms R16Q.
Identifiers: ClinVar variation 472252 (VCV000472252.12), dbSNP rs1057175147, ClinGen allele CA409942215.

ClinVar aggregate classification (germline): Conflicting classifications of pathogenicity. Review status: criteria provided, conflicting classifications (1 of 4 stars). 2 submissions from 2 submitters: Uncertain significance (1); Benign (1). Last evaluated 2025-09-24.

Conditions:
DYRK1A-related intellectual disability syndrome (MRD7). Also called: Intellectual developmental disorder, autosomal dominant 7; DYRK1A Syndrome. Identifiers: Orphanet 464306, MedGen C5568143, MONDO:0013578, OMIM 614104.

Allele frequency attached by ClinVar (database versions not stated): gnomAD exomes below 0.00001; TOPMed 0.00001.
gnomAD v4.1: 4 of 1,608,688 alleles (0.00025%); highest among the groups gnomAD compares: Non-Finnish European, 0.00034%; no homozygotes.

Submissions (2):

Women's Health and Genetics/Laboratory Corporation of America, LabCorp
Classification: Uncertain significance. Last evaluated: 2025-09-24. Review status: criteria provided, single submitter. Criteria: LabCorp Variant Classification Summary - May 2015. Collection method: clinical testing. Allele origin: germline.
Comment: Variant summary: DYRK1A c.47G>A (p.Arg16Gln) results in a conservative amino acid change in the encoded protein sequence. Algorithms developed to predict the effect of missense changes on protein structure and function are either unavailable or do not agree on the potential impact of this missense change. The frequency data for this variant in gnomAD is considered unreliable, as metrics indicate poor data quality at this position. To our knowledge, no occurrence of c.47G>A in individuals affected with DYRK1A-related conditions and no experimental evidence demonstrating its impact on protein function have been reported. ClinVar contains an entry for this variant (Variation ID: 472252). Based on the evidence outlined above, the variant was classified as uncertain significance.

Labcorp Genetics (formerly Invitae), Labcorp
Classification: Benign for DYRK1A-related intellectual disability syndrome. Last evaluated: 2023-10-03. Review status: criteria provided, single submitter. Criteria: Invitae Variant Classification Sherloc (09022015). Collection method: clinical testing. Allele origin: germline.